The following is an entry in ClinVar:

NM_000037.4(ANK1):c.4492C>T (p.Arg1498Trp)

Genes: ANK1 (ankyrin 1; minus strand), LOC126860368 (BRD4-independent group 4 enhancer GRCh37_chr8:41541049-41542248; plus strand). Cytogenetic location: 8p11.21.
Variant type: single nucleotide variant.
Coding change: c.4492C>T on transcript NM_000037.4 (MANE Select); coding-DNA position 4492, C replaced by T.
Protein change: p.Arg1498Trp; replaces arginine 1498 with tryptophan.
Molecular consequence: missense variant.
Genome position (GRCh38, 1-based): chr8:41,684,589, G>A on the plus strand (C>T on the coding strand, the complement: ANK1 is on the minus strand). VCF-style: chr8-41684589-G-A. GRCh37 (hg19) VCF-style: chr8-41542107-G-A.
Other names: c.4615C>T, p.Arg1539Trp (NM_001142446.2); c.4492C>T, p.Arg1498Trp (NM_020475.3, NM_020476.3, NM_020477.3); short protein forms R1498W, R1539W.
Identifiers: ClinVar variation 2688550 (VCV002688550.5), dbSNP rs373965109, ClinGen allele CA4727538.
Genomic context (GRCh38, chr8:41,684,589, plus strand): 5'-CCAGGTGACACTCACCATTCATCTGGGAGGGTGACAGCGAGTAGTCGCGGTCGGTGTGCC[G>A]CCTGTCTGGCTTCAAGTTGCGGCTCTGTCGGCCGGAACCCTCCAGCATGTTCACGATCTC-3'
Protein context (NP_000028.3, residues 1488-1508): RQSRNLKPDR[Arg1498Trp]HTDRDYSLSP

ClinVar aggregate classification (germline): Uncertain significance. Review status: criteria provided, multiple submitters, no conflicts (2 of 4 stars). 2 submissions from 2 submitters: Uncertain significance (2). Last evaluated 2025-10-24.

Conditions:
Hereditary spherocytosis type 1. Also called: Spherocytosis type 1; ANK1-Related Spherocytosis. Identifiers: Orphanet 822, MedGen C2674218, MONDO:0008447, OMIM 182900.

Allele frequency attached by ClinVar (database versions not stated): ExAC 0.00003; ESP Exome Variant Server 0.00008; gnomAD 0.00012; 1000 Genomes Project 30x 0.00016; TOPMed 0.00018; 1000 Genomes Project 0.00020.
gnomAD v4.1: 80 of 1,613,666 alleles (0.005%); highest among the groups gnomAD compares: African/African-American, 0.067%; no homozygotes.

Submissions (2):

Labcorp Genetics (formerly Invitae), Labcorp
Classification: Uncertain significance. Last evaluated: 2025-10-24. Review status: criteria provided, single submitter. Criteria: Invitae Variant Classification Sherloc (09022015). Collection method: clinical testing. Allele origin: germline.
Comment: This sequence change replaces arginine, which is basic and polar, with tryptophan, which is neutral and slightly polar, at codon 1498 of the ANK1 protein (p.Arg1498Trp). This variant is present in population databases (rs373965109, gnomAD 0.02%). This variant has not been reported in the literature in individuals affected with ANK1-related conditions. ClinVar contains an entry for this variant (Variation ID: 2688550). Invitae Evidence Modeling of protein sequence and biophysical properties (such as structural, functional, and spatial information, amino acid conservation, physicochemical variation, residue mobility, and thermodynamic stability) indicates that this missense variant is not expected to disrupt ANK1 protein function with a negative predictive value of 80%. In summary, the available evidence is currently insufficient to determine the role of this variant in disease. Therefore, it has been classified as a Variant of Uncertain Significance.

Revvity Omics, Revvity
Classification: Uncertain significance for Hereditary spherocytosis type 1. Last evaluated: 2023-06-06. Review status: criteria provided, single submitter. Criteria: ACMG Guidelines, 2015. Collection method: clinical testing. Allele origin: germline.